The following is an entry in ClinVar:

NM_025114.4(CEP290):c.64GAA[1] (p.Glu23del)

Gene: CEP290 (centrosomal protein 290; minus strand). Cytogenetic location: 12q21.32.
Variant type: Microsatellite.
Coding change: c.64GAA[1] on transcript NM_025114.4 (MANE Select); one copy of the 3-base unit GAA starting at c.64; the reference has two copies in a row; one copy, 3 bases deleted; also written c.67_69del.
Protein change: p.Glu23del; deletes glutamic acid 23.
Molecular consequence: inframe deletion.
Genome position (GRCh38, 1-based): chr12:88,141,239-88,141,241, TTC deleted on the plus strand (GAA on the coding strand, the reverse complement: CEP290 is on the minus strand); deleting any 3 consecutive bases within chr12:88,141,239-88,141,246 gives the same sequence; the position shown is the placement nearest the transcript's 3' end. VCF-style (leftmost placement, unchanged base first): chr12-88141238-GTTC-G. GRCh37 (hg19) VCF-style: chr12-88535015-GTTC-G.
Other names: NM_025114.4(CEP290):c.64GAA[1]; p.Glu23del; c.67_69del (NM_025114.4); c.67_69delGAA (NM_025114.3); short protein forms E23del.
Identifiers: ClinVar variation 1501053 (VCV001501053.8), dbSNP rs780211907, ClinGen allele CA6712923.

ClinVar aggregate classification (germline): Uncertain significance. Review status: reviewed by expert panel (3 of 4 stars). 6 submissions from 6 submitters: Uncertain significance (1). 5 of the submissions do not count toward it. Last evaluated 2026-07-20.

Conditions:
CEP290-related disorder. Also called: CEP290-related condition; CEP290-related disorders. Identifiers: MedGen CN239314.
Meckel-Gruber syndrome. Also called: DYSENCEPHALIA SPLANCHNOCYSTICA; GRUBER SYNDROME; Dysencephalia splachnocystica. Identifiers: Orphanet 564, MedGen C0265215, MONDO:0018921.
Joubert syndrome. Also called: JOUBERT-BOLTSHAUSER SYNDROME; Familial aplasia of the vermis. Identifiers: Orphanet 475, MedGen C5979921, MONDO:0018772.
Nephronophthisis. Also called: Juvenile Nephronophthisis. Identifiers: Orphanet 655, MedGen C0687120, MONDO:0019005, HP:0000090.
CEP290-related ciliopathy. Also called: CEP290 ciliopathy. Identifiers: MedGen CN305601, MONDO:0100451.
Leber congenital amaurosis 10 (LCA10). Identifiers: Orphanet 65, MedGen C1857821, MONDO:0012723, OMIM 611755.
Meckel syndrome, type 4 (MKS4). Also called: MECKEL-GRUBER SYNDROME, TYPE 4. Identifiers: Orphanet 564, MedGen C1970161, MONDO:0012626, OMIM 611134.
Bardet-Biedl syndrome 14 (BBS14). Identifiers: Orphanet 110, MedGen C2673874, MONDO:0014442, OMIM 615991.
Senior-Loken syndrome 6 (SLSN6). Identifiers: Orphanet 3156, MedGen C1857779, MONDO:0012433, OMIM 610189.
Joubert syndrome 5 (JBTS5). Identifiers: Orphanet 2318, MedGen C1857780, MONDO:0012432, OMIM 610188.

Submissions (6):

ClinGen Leber Congenital Amaurosis/early Onset Retinal Dystrophy Variant Curation Expert Panel, ClinGen
Classification: Uncertain significance for CEP290-related ciliopathy. Last evaluated: 2026-07-20. Review status: reviewed by expert panel. Criteria: ClinGen LCAeoRD ACMG Specifications CEP290 V1.0.0. Collection method: curation. Allele origin: germline. Inheritance: Autosomal recessive inheritance.
Comment: NM_025114.4(CEP290):c.67_69del (p.Glu23del) is an in-frame deletion of 3 nucleotides encoding 1 amino acid in a non-repeat region, with at least one of the deleted base pairs highly conserved with a PhyloP conservation score of 4.746 (PM4_Supporting). This variant is present in gnomAD v4.1.1 at a total allele frequency of 0.000008071, with 13 alleles / 1,610,742 total alleles, which is lower than the ClinGen LCA/eoRD VCEP PM2_Supporting threshold of <0.0006 (PM2_Supporting). This variant has been reported in at least 1 proband with early-onset diagnosis of Joubert syndrome who harbored the variant in an unreported state of zygosity (SCV004047368.1), however, the PM3_Supporting code was not counted pending confirmation of a second CEP290 variant present. At least one proband harboring this variant exhibits a phenotype including diagnosis of Joubert syndrome (0.5 pts) with infantile onset (0.5 pts), nystagmus (0.5 pts), motor delay (0.5 pts), hypotonia (0.5 pts), generalized muscle weakness, and seizure episodes, which are not sufficiently specific for CEP290-related ciliopathy to meet the PP4 code (total 2.5 points, ClinVar Accession #: SCV004047368.1). In summary, this variant meets the criteria to be classified as a Variant of Uncertain Significance for CEP290-related ciliopathy based on the ACMG/AMP criteria applied, as specified by the ClinGen LCA/eoRD VCEP: PM4_Supporting and PM2_Supporting. (LCA/eoRD VCEP Specifications for CEP290 Version 1.0.0)

Blueprint Genetics
Classification: Uncertain significance. Last evaluated: 2024-08-26. Review status: criteria provided, single submitter. Criteria: ACMG Guidelines, 2015. Collection method: clinical testing. Allele origin: germline. Not counted in ClinVar's aggregate classification.

Labcorp Genetics (formerly Invitae), Labcorp
Classification: Uncertain significance for Joubert syndrome; Meckel-Gruber syndrome; Nephronophthisis. Last evaluated: 2022-10-24. Review status: criteria provided, single submitter. Criteria: Invitae Variant Classification Sherloc (09022015). Collection method: clinical testing. Allele origin: germline. Not counted in ClinVar's aggregate classification.
Comment: This variant, c.67_69del, results in the deletion of 1 amino acid(s) of the CEP290 protein (p.Glu23del), but otherwise preserves the integrity of the reading frame. This variant is present in population databases (rs780211907, gnomAD 0.01%). This variant has not been reported in the literature in individuals affected with CEP290-related conditions. Experimental studies and prediction algorithms are not available or were not evaluated, and the functional significance of this variant is currently unknown. In summary, the available evidence is currently insufficient to determine the role of this variant in disease. Therefore, it has been classified as a Variant of Uncertain Significance.

Fulgent Genetics
Classification: Uncertain significance for Joubert syndrome 5; Senior-Loken syndrome 6; Meckel syndrome, type 4; Leber congenital amaurosis 10; Bardet-Biedl syndrome 14. Last evaluated: 2022-04-15. Review status: criteria provided, single submitter. Criteria: ACMG Guidelines, 2015. Collection method: clinical testing. Allele origin: unknown. Not counted in ClinVar's aggregate classification.

Neuberg Centre For Genomic Medicine, NCGM
Classification: Uncertain significance for Joubert syndrome 5. Review status: criteria provided, single submitter. Criteria: ACMG Guidelines, 2015. Collection method: clinical testing. Allele origin: germline. Inheritance: Autosomal recessive inheritance. Affected: yes. Not counted in ClinVar's aggregate classification.
Comment: The Inframe deletion variant c.67_69del (p.Glu23del) in CEP290 has been submitted to ClinVar as Variant of Uncertain Significance (VUS). The p.Glu23del variant has allele frequency of 0.0012% in the gnomad and novel (not in any individuals) in 1000 genome database. This p.Glu23del causes deletion of amino acid Glutamic Acid at position 23. The observed variant is not in repeat region. For these reasons, this variant has been classified as Uncertain Significance (VUS).

PreventionGenetics, part of Exact Sciences
Classification: Uncertain significance for CEP290-related condition. Last evaluated: 2024-02-23. Review status: no assertion criteria provided. Collection method: clinical testing. Allele origin: germline. Not counted in ClinVar's aggregate classification.
Comment: The CEP290 c.67_69delGAA variant is predicted to result in an in-frame deletion (p.Glu23del). To our knowledge, this variant has not been reported in the literature. This variant is reported in 0.010% of alleles in individuals of South Asian descent in gnomAD. At this time, the clinical significance of this variant is uncertain due to the absence of conclusive functional and genetic evidence.